The following is an entry in ClinVar:

NM_198253.3(TERT):c.881A>T (p.His294Leu)

Gene: TERT (telomerase reverse transcriptase; minus strand). Cytogenetic location: 5p15.33.
Variant type: single nucleotide variant.
Coding change: c.881A>T on transcript NM_198253.3 (MANE Select); coding-DNA position 881, A replaced by T.
Protein change: p.His294Leu; replaces histidine 294 with leucine.
Molecular consequence: missense variant. On other transcripts: non-coding transcript variant (2).
Genome position (GRCh38, 1-based): chr5:1,294,005, T>A on the plus strand (A>T on the coding strand, the complement: TERT is on the minus strand). VCF-style: chr5-1294005-T-A. GRCh37 (hg19) VCF-style: chr5-1294120-T-A.
Other names: c.881A>T, p.His294Leu (NM_001193376.3); c.881A>T (NM_198253.2); short protein forms H294L.
Identifiers: ClinVar variation 1383882 (VCV001383882.7), dbSNP rs1240646657, ClinGen allele CA359056340.

ClinVar aggregate classification (germline): Uncertain significance. Review status: criteria provided, multiple submitters, no conflicts (2 of 4 stars). 2 submissions from 2 submitters: Uncertain significance (2). Last evaluated 2024-01-05.

Conditions:
Idiopathic Pulmonary Fibrosis. Also called: Idiopathic fibrosing alveolitis, chronic form; idiopathic fibrosing alveolitis. Identifiers: Orphanet 2032, MedGen C1800706, MeSH D054990, MONDO:0800504.
Dyskeratosis congenita, autosomal dominant 2. Identifiers: MedGen C3151443, MONDO:0013521, OMIM 613989.
Dyskeratosis congenita. Identifiers: Orphanet 1775, MedGen C0265965, MONDO:0015780.

Allele frequency attached by ClinVar (database versions not stated): gnomAD exomes below 0.00001 and 0.00001; 1000 Genomes Project 30x 0.00016.
gnomAD v4.1: 1 of 1,579,738 alleles (0.000063%); highest among the groups gnomAD compares: Non-Finnish European, 0.000086%; no homozygotes.

Submissions (2):

Ambry Genetics
Classification: Uncertain significance for Dyskeratosis congenita. Last evaluated: 2024-01-05. Review status: criteria provided, single submitter. Criteria: Ambry Variant Classification Scheme 2023. Collection method: clinical testing. Allele origin: germline.
Comment: The p.H294L variant (also known as c.881A>T), located in coding exon 2 of the TERT gene, results from an A to T substitution at nucleotide position 881. The histidine at codon 294 is replaced by leucine, an amino acid with similar properties. This amino acid position is conserved. In addition, this alteration is predicted to be tolerated by in silico analysis. Since supporting evidence is limited at this time, the clinical significance of this alteration remains unclear.

Labcorp Genetics (formerly Invitae), Labcorp
Classification: Uncertain significance for Dyskeratosis congenita, autosomal dominant 2; Idiopathic Pulmonary Fibrosis. Last evaluated: 2023-10-18. Review status: criteria provided, single submitter. Criteria: Invitae Variant Classification Sherloc (09022015). Collection method: clinical testing. Allele origin: germline.
Comment: This sequence change replaces histidine, which is basic and polar, with leucine, which is neutral and non-polar, at codon 294 of the TERT protein (p.His294Leu). The frequency data for this variant in the population databases is considered unreliable, as metrics indicate poor data quality at this position in the gnomAD database. This variant has not been reported in the literature in individuals affected with TERT-related conditions. ClinVar contains an entry for this variant (Variation ID: 1383882). Advanced modeling of protein sequence and biophysical properties (such as structural, functional, and spatial information, amino acid conservation, physicochemical variation, residue mobility, and thermodynamic stability) performed at Invitae indicates that this missense variant is not expected to disrupt TERT protein function. In summary, the available evidence is currently insufficient to determine the role of this variant in disease. Therefore, it has been classified as a Variant of Uncertain Significance.